The following is an entry in ClinVar:

NM_001017962.3(P4HA1):c.624A>G (p.Leu208=)

Gene: P4HA1 (prolyl 4-hydroxylase subunit alpha 1; minus strand). Cytogenetic location: 10q22.1.
Variant type: single nucleotide variant.
Coding change: c.624A>G on transcript NM_001017962.3 (MANE Select); coding-DNA position 624, A replaced by G.
Protein change: p.Leu208=; no amino-acid change (leucine 208 retained).
Molecular consequence: synonymous variant.
Genome position (GRCh38, 1-based): chr10:73,053,430, T>C on the plus strand (A>G on the coding strand, the complement: P4HA1 is on the minus strand). VCF-style: chr10-73053430-T-C. GRCh37 (hg19) VCF-style: chr10-74813188-T-C.
Other names: c.624A>G, p.Leu208= (NM_000917.4, NM_001142595.2, NM_001142596.2).
Identifiers: ClinVar variation 3039512 (VCV003039512.2), dbSNP rs35382319, ClinGen allele CA5551698.

ClinVar aggregate classification (germline): Benign (0 of 4 stars; one submission).

Conditions:
P4HA1-related disorder. Also called: P4HA1-related condition.

Allele frequency attached by ClinVar (database versions not stated): gnomAD exomes 0.00019; ExAC 0.00067; TOPMed 0.00236; gnomAD 0.00250; ESP Exome Variant Server 0.00254; 1000 Genomes Project 0.00280; 1000 Genomes Project 30x 0.00297.
gnomAD v4.1: 666 of 1,614,090 alleles (0.041%); highest among the groups gnomAD compares: African/African-American, 0.8%; no homozygotes.

Submission:

PreventionGenetics, part of Exact Sciences
Classification: Benign for P4HA1-related condition. Last evaluated: 2019-10-28. Review status: no assertion criteria provided. Collection method: clinical testing. Allele origin: germline.
Comment: This variant is classified as benign based on ACMG/AMP sequence variant interpretation guidelines (Richards et al. 2015 PMID: 25741868, with internal and published modifications).